The following is an entry in ClinVar:

NM_004364.5(CEBPA):c.1046C>T (p.Ser349Phe)

Gene: CEBPA (CCAAT enhancer binding protein alpha; minus strand). Cytogenetic location: 19q13.11.
Variant type: single nucleotide variant.
Coding change: c.1046C>T on transcript NM_004364.5 (MANE Select); coding-DNA position 1046, C replaced by T.
Protein change: p.Ser349Phe; replaces serine 349 with phenylalanine.
Molecular consequence: missense variant.
Genome position (GRCh38, 1-based): chr19:33,301,369, G>A on the plus strand (C>T on the coding strand, the complement: CEBPA is on the minus strand). VCF-style: chr19-33301369-G-A. GRCh37 (hg19) VCF-style: chr19-33792275-G-A.
Other names: c.689C>T, p.Ser230Phe (NM_001285829.2); c.1151C>T, p.Ser384Phe (NM_001287424.2); c.1004C>T, p.Ser335Phe (NM_001287435.2); short protein forms S335F, S349F, S384F, S230F.
Identifiers: ClinVar variation 4611144 (VCV004611144.1).

ClinVar aggregate classification (germline): Uncertain significance (1 of 4 stars; one submission).

Conditions:
Inborn genetic diseases. Identifiers: MedGen C0950123, MeSH D030342.

Submission:

Ambry Genetics
Classification: Uncertain significance for Inborn genetic diseases. Last evaluated: 2025-10-11. Review status: criteria provided, single submitter. Criteria: Ambry Variant Classification Scheme 2023. Collection method: clinical testing. Allele origin: germline.
Comment: The p.S349F variant (also known as c.1046C>T), located in coding exon 1 of the CEBPA gene, results from a C to T substitution at nucleotide position 1046. The serine at codon 349 is replaced by phenylalanine, an amino acid with highly dissimilar properties. This amino acid position is conserved. In addition, this alteration is predicted to be tolerated by in silico analysis. Based on the available evidence, the clinical significance of this variant remains unclear.